The following is an entry in ClinVar:

ClinVar aggregate classification (germline): Likely benign. Review status: criteria provided, multiple submitters, no conflicts (2 of 4 stars). 3 submissions from 3 submitters: Likely benign (3). Last evaluated 2025-05-29.

Allele frequency attached by ClinVar (database versions not stated): gnomAD 0.00001; gnomAD exomes 0.00001 and 0.00003; TOPMed 0.00001; ExAC 0.00002; ESP Exome Variant Server 0.00008.
gnomAD v4.1: 38 of 1,613,930 alleles (0.0024%); highest among the groups gnomAD compares: Middle Eastern, 0.016%; no homozygotes.

Submissions (3):

Labcorp Genetics (formerly Invitae), Labcorp
Classification: Likely benign. Last evaluated: 2025-05-29. Review status: criteria provided, single submitter. Criteria: Invitae Variant Classification Sherloc (09022015). Collection method: clinical testing. Allele origin: germline.

Blueprint Genetics
Classification: Likely benign. Last evaluated: 2022-09-22. Review status: criteria provided, single submitter. Criteria: ACMG Guidelines, 2015. Collection method: clinical testing. Allele origin: germline.

Laboratory for Molecular Medicine, Mass General Brigham Personalized Medicine
Classification: Likely benign. Last evaluated: 2014-06-05. Review status: criteria provided, single submitter. Criteria: LMM Criteria. Collection method: clinical testing. Allele origin: germline. Observed: 1 variant allele.
Comment: le2392Ile in exon 51 of CDH23: This variant is not expected to have clinical sig nificance because it does not alter an amino acid residue, is not located within the splice consensus sequence, has been identified in 0.01% (1/8306) of Europea n American chromosomes by the NHLBI Exome sequencing project.

NM_022124.6(CDH23):c.7176C>T (p.Ile2392=)

Gene: CDH23 (cadherin related 23; plus strand). Cytogenetic location: 10q22.1.
Variant type: single nucleotide variant.
Coding change: c.7176C>T on transcript NM_022124.6 (MANE Select); coding-DNA position 7176, C replaced by T.
Protein change: p.Ile2392=; no amino-acid change (isoleucine 2392 retained).
Molecular consequence: synonymous variant.
Genome position (GRCh38, 1-based): chr10:71,799,232, C>T. VCF-style: chr10-71799232-C-T. GRCh37 (hg19) VCF-style: chr10-73558989-C-T.
Other names: c.456C>T, p.Ile152= (NM_001171933.1, NM_001171934.1).
Identifiers: ClinVar variation 162939 (VCV000162939.13), dbSNP rs375991880, ClinGen allele CA175513.